The following is an entry in ClinVar:

ClinVar aggregate classification (germline): Uncertain significance (1 of 4 stars; one submission).

Conditions:
Fanconi anemia complementation group E (FANCE). Also called: FANCE-Related Fanconi Anemia. Identifiers: Orphanet 84, MedGen C3160739, MONDO:0010953, OMIM 600901.

Allele frequency attached by ClinVar (database versions not stated): TOPMed 0.00001.

Submission:

Labcorp Genetics (formerly Invitae), Labcorp
Classification: Uncertain significance for Fanconi anemia complementation group E. Last evaluated: 2024-11-22. Review status: criteria provided, single submitter. Criteria: Invitae Variant Classification Sherloc (09022015). Collection method: clinical testing. Allele origin: germline.
Comment: This sequence change replaces glutamine, which is neutral and polar, with arginine, which is basic and polar, at codon 323 of the FANCE protein (p.Gln323Arg). This variant is not present in population databases (gnomAD no frequency). This variant has not been reported in the literature in individuals affected with FANCE-related conditions. ClinVar contains an entry for this variant (Variation ID: 639143). An algorithm developed to predict the effect of missense changes on protein structure and function (PolyPhen-2) suggests that this variant is likely to be disruptive. In summary, the available evidence is currently insufficient to determine the role of this variant in disease. Therefore, it has been classified as a Variant of Uncertain Significance.

NM_021922.3(FANCE):c.968A>G (p.Gln323Arg)

Gene: FANCE (FA complementation group E; plus strand). Cytogenetic location: 6p21.31.
Variant type: single nucleotide variant.
Coding change: c.968A>G on transcript NM_021922.3 (MANE Select); coding-DNA position 968, A replaced by G.
Protein change: p.Gln323Arg; replaces glutamine 323 with arginine.
Molecular consequence: missense variant.
Genome position (GRCh38, 1-based): chr6:35,457,983, A>G. VCF-style: chr6-35457983-A-G. GRCh37 (hg19) VCF-style: chr6-35425760-A-G.
Other names: short protein forms Q323R.
Identifiers: ClinVar variation 639143 (VCV000639143.8), dbSNP rs1034716031, ClinGen allele CA137300019.